The following is an entry in ClinVar:

NM_000338.3(SLC12A1):c.1190G>A (p.Gly397Asp)

Gene: SLC12A1 (solute carrier family 12 member 1; plus strand). Cytogenetic location: 15q21.1.
Variant type: single nucleotide variant.
Coding change: c.1190G>A on transcript NM_000338.3 (MANE Select); coding-DNA position 1190, G replaced by A.
Protein change: p.Gly397Asp; replaces glycine 397 with aspartic acid.
Molecular consequence: missense variant.
Genome position (GRCh38, 1-based): chr15:48,234,979, G>A. VCF-style: chr15-48234979-G-A. GRCh37 (hg19) VCF-style: chr15-48527176-G-A.
Other names: c.1190G>A, p.Gly397Asp (NM_001184832.2, NM_001384136.1); short protein forms G397D.
Identifiers: ClinVar variation 4074274 (VCV004074274.1).
Genomic context (GRCh38, chr15:48,234,979, plus strand): 5'-GTGAAGGCTTCTTCTCTGTCTTTGCCATTTTTTTCCCAGCAGCTACTGGGATTCTTGCTG[G>A]TGCCAATATCTCAGGAGATTTGGAGGTACGTTGTTTGCTCTGCTTTGCAGTCCTGGGAGT-3'
Protein context (NP_000329.2, residues 387-407): FFPAATGILA[Gly397Asp]ANISGDLEDP

ClinVar aggregate classification (germline): Uncertain significance (1 of 4 stars; one submission).

Conditions:
Bartter disease type 1. Also called: Bartter Syndrome type 1; Bartter syndrome, type 1, antenatal; HYPERPROSTAGLANDIN E SYNDROME 1; HYPOKALEMIC ALKALOSIS WITH HYPERCALCIURIA 1, ANTENATAL. Identifiers: Orphanet 112, Orphanet 620217, MedGen C1866495, MONDO:0100344, OMIM 601678, MONDO:0011127.

gnomAD v4.1: 2 of 1,613,826 alleles (0.00012%); highest among the groups gnomAD compares: East Asian, 0.0022%; no homozygotes.

Submission:

Rare Kidney Stone Consortium and the Mayo Clinic Hyperoxaluria Center, Mayo Clinic
Classification: Uncertain significance for Bartter disease type 1. Last evaluated: 2025-05-01. Review status: criteria provided, single submitter. Criteria: ACMG Guidelines, 2015. Collection method: research. Allele origin: germline.
Comment: ACMG: PM2, PM5, PP3

heterozygote

Literature cited by the submitters: PubMed 34805638.